The following is an entry in ClinVar:

NC_000011.9:g.(?_66296758)_(66307295_?)del

Genes: BBS1 (Bardet-Biedl syndrome 1; plus strand), ZDHHC24 (zDHHC palmitoyltransferase 24; minus strand). Cytogenetic location: 11q13.2.
Variant type: Deletion.
Identifiers: ClinVar variation 1069863 (VCV001069863.1).

ClinVar aggregate classification (germline): Pathogenic (1 of 4 stars; one submission).

Conditions:
Bardet-Biedl syndrome (BBS). Identifiers: Orphanet 110, MedGen C0752166, MONDO:0015229.

Submission:

Labcorp Genetics (formerly Invitae), Labcorp
Classification: Pathogenic for Bardet-Biedl syndrome. Last evaluated: 2020-03-16. Review status: criteria provided, single submitter. Criteria: Invitae Variant Classification Sherloc (09022015). Collection method: clinical testing. Allele origin: germline.
Comment: This variant is a gross deletion of the genomic region encompassing exons 14-17 of the BBS1 gene. The 5' boundary is likely confined to intron 13. The 3' end of this event is unknown as it extends through the termination codon beyond the assayed region for this gene and may encompass additional genes. While this deletion is not anticipated to result in nonsense mediated decay, it is expected to create a truncated protein product or disrupt mRNA translation. A similar copy number variant has been observed in an individual with Bardet-Biedl syndrome (PMID: 27486776) This variant disrupts the C-terminus of the BBS1 protein. Other variant(s) that disrupt this region (p.Leu539Cysfs*40) have been determined to be pathogenic (PMID: 25170860, 29099798, Invitae). This suggests that variants that disrupt this region of the protein are likely to be causative of disease. For these reasons, this variant has been classified as Pathogenic.

Literature cited by the submitters: PubMed 27486776; PubMed 25170860; PubMed 29099798.